The following is an entry in ClinVar:

NM_004656.4(BAP1):c.528C>T (p.Ile176=)

Gene: BAP1 (BRCA1 associated deubiquitinase 1; minus strand). Cytogenetic location: 3p21.1.
Variant type: single nucleotide variant.
Coding change: c.528C>T on transcript NM_004656.4 (MANE Select); coding-DNA position 528, C replaced by T.
Protein change: p.Ile176=; no amino-acid change (isoleucine 176 retained).
Molecular consequence: synonymous variant.
Genome position (GRCh38, 1-based): chr3:52,407,226, G>A on the plus strand (C>T on the coding strand, the complement: BAP1 is on the minus strand). VCF-style: chr3-52407226-G-A. GRCh37 (hg19) VCF-style: chr3-52441242-G-A.
Identifiers: ClinVar variation 388078 (VCV000388078.15), dbSNP rs1057522989, ClinGen allele CA16604499.
Genomic context (GRCh38, chr3:52,407,226, plus strand): 5'-GTGCCTACCATGGTCAATGGGGTAGACCTTCAGCCCATCCAGCTCAAAGAGCCGGCCTGT[G>A]ATAGGCACATAGCTGACAAAGTGGAACGCCTCCATGGTCCGCACTGCACTAAGGCCATTC-3'
Protein context (NP_004647.1, residues 166-186): EAFHFVSYVP[Ile176=]TGRLFELDGL

ClinVar aggregate classification (germline): Benign/Likely benign. Review status: criteria provided, multiple submitters, no conflicts (2 of 4 stars). 5 submissions from 5 submitters: Benign (1); Likely benign (4). Last evaluated 2024-07-12.

Conditions:
BAP1-related tumor predisposition syndrome (TPDS1). Also called: TUMOR PREDISPOSITION SYNDROME 1; COMMON Syndrome; BAP1 tumor predisposition syndrome; Tumor susceptibility linked to germline BAP1 mutations. Identifiers: Orphanet 289539, MedGen C3280492, MONDO:0013692, OMIM 614327.
Hereditary cancer-predisposing syndrome. Also called: Hereditary Cancer Syndrome; Hereditary neoplastic syndrome; Neoplastic Syndromes, Hereditary; Tumor predisposition. Identifiers: Orphanet 140162, MedGen C0027672, MeSH D009386, MONDO:0015356.

Submissions (5):

Myriad Genetics, Inc.
Classification: Benign for BAP1-related tumor predisposition syndrome. Last evaluated: 2024-07-12. Review status: criteria provided, single submitter. Criteria: Myriad Autosomal Dominant, Autosomal Recessive and X-Linked Classification Criteria (2023). Collection method: clinical testing. Allele origin: unknown.
Comment: This variant is considered benign. This variant is a silent/synonymous amino acid change and it is not expected to impact splicing.

Labcorp Genetics (formerly Invitae), Labcorp
Classification: Likely benign for BAP1-related tumor predisposition syndrome. Last evaluated: 2024-06-21. Review status: criteria provided, single submitter. Criteria: Invitae Variant Classification Sherloc (09022015). Collection method: clinical testing. Allele origin: germline.

Ambry Genetics
Classification: Likely benign for Hereditary cancer-predisposing syndrome. Last evaluated: 2019-06-10. Review status: criteria provided, single submitter. Criteria: Ambry Variant Classification Scheme 2023. Collection method: clinical testing. Allele origin: germline.

Color Diagnostics, LLC DBA Color Health
Classification: Likely benign for Hereditary cancer-predisposing syndrome. Last evaluated: 2018-03-12. Review status: criteria provided, single submitter. Criteria: ACMG Guidelines, 2015. Collection method: clinical testing. Allele origin: germline.

GeneDx
Classification: Likely benign. Last evaluated: 2016-07-22. Review status: criteria provided, single submitter. Criteria: GeneDx Variant Classification (06012015). Collection method: clinical testing. Allele origin: germline. Affected: yes.
Comment: This variant is considered likely benign or benign based on one or more of the following criteria: it is a conservative change, it occurs at a poorly conserved position in the protein, it is predicted to be benign by multiple in silico algorithms, and/or has population frequency not consistent with disease.